The following is an entry in ClinVar:

NM_144997.7(FLCN):c.1093G>C (p.Ala365Pro)

Gene: FLCN (folliculin; minus strand). Cytogenetic location: 17p11.2.
Variant type: single nucleotide variant.
Coding change: c.1093G>C on transcript NM_144997.7 (MANE Select); coding-DNA position 1093, G replaced by C.
Protein change: p.Ala365Pro; replaces alanine 365 with proline.
Molecular consequence: missense variant.
Genome position (GRCh38, 1-based): chr17:17,217,152, C>G on the plus strand (G>C on the coding strand, the complement: FLCN is on the minus strand). VCF-style: chr17-17217152-C-G. GRCh37 (hg19) VCF-style: chr17-17120466-C-G.
Other names: c.1147G>C, p.Ala383Pro (NM_001353229.2); c.1093G>C, p.Ala365Pro (NM_001353230.2, NM_001353231.2); short protein forms A365P, A383P.
Identifiers: ClinVar variation 4643227 (VCV004643227.2).

ClinVar aggregate classification (germline): Uncertain significance. Review status: criteria provided, multiple submitters, no conflicts (2 of 4 stars). 2 submissions from 2 submitters: Uncertain significance (2). Last evaluated 2025-12-12.

Conditions:
Hereditary cancer-predisposing syndrome. Also called: Hereditary neoplastic syndrome; Hereditary Cancer Syndrome; Neoplastic Syndromes, Hereditary; Tumor predisposition. Identifiers: Orphanet 140162, MedGen C0027672, MeSH D009386, MONDO:0015356.
Birt-Hogg-Dube syndrome. Also called: Birt Hogg Dubé syndrome. Identifiers: Orphanet 122, MedGen C0346010, MONDO:0800444.

Submissions (2):

Ambry Genetics
Classification: Uncertain significance for Hereditary cancer-predisposing syndrome. Last evaluated: 2025-12-12. Review status: criteria provided, single submitter. Criteria: Ambry Variant Classification Scheme 2023. Collection method: clinical testing. Allele origin: germline.
Comment: The p.A365P variant (also known as c.1093G>C), located in coding exon 7 of the FLCN gene, results from a G to C substitution at nucleotide position 1093. The alanine at codon 365 is replaced by proline, an amino acid with highly similar properties. This amino acid position is conserved. In addition, this alteration is predicted to be deleterious by in silico analysis. Based on the available evidence, the clinical significance of this variant remains unclear.

Labcorp Genetics (formerly Invitae), Labcorp
Classification: Uncertain significance for Birt-Hogg-Dube syndrome. Last evaluated: 2025-09-18. Review status: criteria provided, single submitter. Criteria: Invitae Variant Classification Sherloc (09022015). Collection method: clinical testing. Allele origin: germline.
Comment: This sequence change replaces alanine, which is neutral and non-polar, with proline, which is neutral and non-polar, at codon 365 of the FLCN protein (p.Ala365Pro). This variant is not present in population databases (gnomAD no frequency). This variant has not been reported in the literature in individuals affected with FLCN-related conditions. Invitae Evidence Modeling of protein sequence and biophysical properties (such as structural, functional, and spatial information, amino acid conservation, physicochemical variation, residue mobility, and thermodynamic stability) indicates that this missense variant is expected to disrupt FLCN protein function with a positive predictive value of 80%. In summary, the available evidence is currently insufficient to determine the role of this variant in disease. Therefore, it has been classified as a Variant of Uncertain Significance.